The following is an entry in ClinVar:

NM_001136191.3(KANK2):c.977G>T (p.Arg326Leu)

Gene: KANK2 (KN motif and ankyrin repeat domains 2; minus strand). Cytogenetic location: 19p13.2.
Variant type: single nucleotide variant.
Coding change: c.977G>T on transcript NM_001136191.3 (MANE Select); coding-DNA position 977, G replaced by T.
Protein change: p.Arg326Leu; replaces arginine 326 with leucine.
Molecular consequence: missense variant.
Genome position (GRCh38, 1-based): chr19:11,193,103, C>A on the plus strand (G>T on the coding strand, the complement: KANK2 is on the minus strand). VCF-style: chr19-11193103-C-A. GRCh37 (hg19) VCF-style: chr19-11303779-C-A.
Other names: c.977G>T, p.Arg326Leu (NM_001329451.2, NM_001379548.1, NM_001379549.1 and 15 more transcripts); short protein forms R326L.
Identifiers: ClinVar variation 1908214 (VCV001908214.6), dbSNP rs370098562, ClinGen allele CA305357875.

ClinVar aggregate classification (germline): Uncertain significance. Review status: criteria provided, multiple submitters, no conflicts (2 of 4 stars). 2 submissions from 2 submitters: Uncertain significance (2). Last evaluated 2025-10-20.

gnomAD v4.1: 5 of 1,606,004 alleles (0.00031%); highest among the groups gnomAD compares: Admixed American, 0.0034%; no homozygotes.

Submissions (2):

Labcorp Genetics (formerly Invitae), Labcorp
Classification: Uncertain significance. Last evaluated: 2025-10-20. Review status: criteria provided, single submitter. Criteria: Invitae Variant Classification Sherloc (09022015). Collection method: clinical testing. Allele origin: germline.
Comment: This sequence change replaces arginine, which is basic and polar, with leucine, which is neutral and non-polar, at codon 326 of the KANK2 protein (p.Arg326Leu). This variant is not present in population databases (gnomAD no frequency). This variant has not been reported in the literature in individuals affected with KANK2-related conditions. ClinVar contains an entry for this variant (Variation ID: 1908214). An algorithm developed to predict the effect of missense changes on protein structure and function (PolyPhen-2) suggests that this variant is likely to be disruptive. In summary, the available evidence is currently insufficient to determine the role of this variant in disease. Therefore, it has been classified as a Variant of Uncertain Significance.

Ambry Genetics
Classification: Uncertain significance. Last evaluated: 2021-10-06. Review status: criteria provided, single submitter. Criteria: Ambry Variant Classification Scheme 2023. Collection method: clinical testing. Allele origin: germline.